The following is an entry in ClinVar:

NM_003126.4(SPTA1):c.6047G>A (p.Arg2016His)

Gene: SPTA1 (spectrin alpha, erythrocytic 1; minus strand). Cytogenetic location: 1q23.1.
Variant type: single nucleotide variant.
Coding change: c.6047G>A on transcript NM_003126.4 (MANE Select); coding-DNA position 6047, G replaced by A.
Protein change: p.Arg2016His; replaces arginine 2016 with histidine.
Molecular consequence: missense variant.
Genome position (GRCh38, 1-based): chr1:158,623,056, C>T on the plus strand (G>A on the coding strand, the complement: SPTA1 is on the minus strand). VCF-style: chr1-158623056-C-T. GRCh37 (hg19) VCF-style: chr1-158592846-C-T.
Other names: p.Arg2016His; short protein forms R2016H.
Identifiers: ClinVar variation 874199 (VCV000874199.14), dbSNP rs199993378, ClinGen allele CA1182095.

ClinVar aggregate classification (germline): Conflicting classifications of pathogenicity. Review status: criteria provided, conflicting classifications (1 of 4 stars). 8 submissions from 6 submitters: Uncertain significance (7); Benign (1). Last evaluated 2025-08-08.

Conditions:
SPTA1-related disorder. Also called: SPTA1-related disorders; SPTA1-related condition.
Hereditary spherocytosis type 3. Also called: SPTA1-Related Spherocytosis; Spherocytosis type 3. Identifiers: Orphanet 822, MedGen C2678338, MONDO:0010053, OMIM 270970.
Pyropoikilocytosis, hereditary. Also called: Pyropoikilocytosis. Identifiers: MedGen C0520739, MONDO:0009948, OMIM 266140, HP:0004839. Disease mechanism: loss of function.
Elliptocytosis 2 (EL2). Also called: ELLIPTOCYTOSIS, RHESUS-UNLINKED TYPE. Identifiers: Orphanet 288, MedGen C1851741, MONDO:0007533, OMIM 130600.

Allele frequency attached by ClinVar (database versions not stated): ESP Exome Variant Server 0.00033; TOPMed 0.00036.
gnomAD v4.1: 209 of 1,614,044 alleles (0.013%); highest among the groups gnomAD compares: African/African-American, 0.095%; no homozygotes.

Submissions (8):

GeneDx
Classification: Uncertain significance. Last evaluated: 2025-08-08. Review status: criteria provided, single submitter. Criteria: GeneDx Variant Classification Process June 2021. Collection method: clinical testing. Allele origin: germline. Affected: yes.
Comment: In silico analysis supports that this missense variant has a deleterious effect on protein structure/function; Has not been previously published as pathogenic or benign to our knowledge

Mayo Clinic Laboratories, Mayo Clinic
Classification: Uncertain significance. Last evaluated: 2025-05-06. Review status: criteria provided, single submitter. Criteria: ACMG Guidelines, 2015. Collection method: clinical testing. Allele origin: germline. Observed: 3 variant alleles.
Comment: BP4_moderate

Labcorp Genetics (formerly Invitae), Labcorp
Classification: Benign. Last evaluated: 2025-04-29. Review status: criteria provided, single submitter. Criteria: Invitae Variant Classification Sherloc (09022015). Collection method: clinical testing. Allele origin: germline.

PreventionGenetics, part of Exact Sciences
Classification: Uncertain significance for SPTA1-related condition. Last evaluated: 2024-10-27. Review status: criteria provided, single submitter. Criteria: ACMG Guidelines, 2015. Collection method: clinical testing. Allele origin: germline.
Comment: The SPTA1 c.6047G>A variant is predicted to result in the amino acid substitution p.Arg2016His. To our knowledge, this variant has not been reported in the literature. This variant is reported in 0.087% of alleles in individuals of African descent in gnomAD. At this time, the clinical significance of this variant is uncertain due to the absence of conclusive functional and genetic evidence.

Revvity Omics, Revvity
Classification: Uncertain significance. Last evaluated: 2024-10-18. Review status: criteria provided, single submitter. Criteria: ACMG Guidelines, 2015. Collection method: clinical testing. Allele origin: germline.

Illumina Laboratory Services, Illumina
Classification: Uncertain significance for Hereditary spherocytosis type 3. Last evaluated: 2018-01-13. Review status: criteria provided, single submitter. Criteria: ICSL Variant Classification Criteria 13 December 2019. Collection method: clinical testing. Allele origin: germline.

Illumina Laboratory Services, Illumina
Classification: Uncertain significance for Elliptocytosis 2. Last evaluated: 2018-01-13. Review status: criteria provided, single submitter. Criteria: ICSL Variant Classification Criteria 13 December 2019. Collection method: clinical testing. Allele origin: germline.

Illumina Laboratory Services, Illumina
Classification: Uncertain significance for Pyropoikilocytosis, hereditary. Last evaluated: 2018-01-13. Review status: criteria provided, single submitter. Criteria: ICSL Variant Classification Criteria 13 December 2019. Collection method: clinical testing. Allele origin: germline.